The following is an entry in ClinVar:

ClinVar aggregate classification (germline): Uncertain significance (1 of 4 stars; one submission).

Submission:

Labcorp Genetics (formerly Invitae), Labcorp
Classification: Uncertain significance. Last evaluated: 2025-05-05. Review status: criteria provided, single submitter. Criteria: Invitae Variant Classification Sherloc (09022015). Collection method: clinical testing. Allele origin: germline.
Comment: This sequence change replaces glutamine, which is neutral and polar, with glutamic acid, which is acidic and polar, at codon 781 of the WHRN protein (p.Gln781Glu). This variant is not present in population databases (gnomAD no frequency). This variant has not been reported in the literature in individuals affected with WHRN-related conditions. ClinVar contains an entry for this variant (Variation ID: 1900388). An algorithm developed to predict the effect of missense changes on protein structure and function (PolyPhen-2) suggests that this variant is likely to be tolerated. In summary, the available evidence is currently insufficient to determine the role of this variant in disease. Therefore, it has been classified as a Variant of Uncertain Significance.

NM_015404.4(WHRN):c.2341C>G (p.Gln781Glu)

Gene: WHRN (whirlin; minus strand). Cytogenetic location: 9q32.
Variant type: single nucleotide variant.
Coding change: c.2341C>G on transcript NM_015404.4 (MANE Select); coding-DNA position 2341, C replaced by G.
Protein change: p.Gln781Glu; replaces glutamine 781 with glutamic acid.
Molecular consequence: missense variant.
Genome position (GRCh38, 1-based): chr9:114,403,973, G>C on the plus strand (C>G on the coding strand, the complement: WHRN is on the minus strand). VCF-style: chr9-114403973-G-C. GRCh37 (hg19) VCF-style: chr9-117166253-G-C.
Other names: c.1192C>G, p.Gln398Glu (NM_001083885.3); c.2338C>G, p.Gln780Glu (NM_001173425.2); c.1288C>G, p.Gln430Glu (NM_001346890.1); short protein forms Q398E, Q430E, Q781E, Q780E.
Identifiers: ClinVar variation 1900388 (VCV001900388.5), dbSNP rs1315480548, ClinGen allele CA374619731.